The following is an entry in ClinVar:

NM_000258.3(MYL3):c.520G>C (p.Ala174Pro)

Gene: MYL3 (myosin light chain 3; minus strand). Cytogenetic location: 3p21.31.
Variant type: single nucleotide variant.
Coding change: c.520G>C on transcript NM_000258.3 (MANE Select); coding-DNA position 520, G replaced by C.
Protein change: p.Ala174Pro; replaces alanine 174 with proline.
Molecular consequence: missense variant.
Genome position (GRCh38, 1-based): chr3:46,858,423, C>G on the plus strand (G>C on the coding strand, the complement: MYL3 is on the minus strand). VCF-style: chr3-46858423-C-G. GRCh37 (hg19) VCF-style: chr3-46899913-C-G.
Other names: short protein forms A174P.
Identifiers: ClinVar variation 43127 (VCV000043127.11), dbSNP rs397516279, ClinGen allele CA014006.

ClinVar aggregate classification (germline): Uncertain significance. Review status: criteria provided, multiple submitters, no conflicts (2 of 4 stars). 4 submissions from 4 submitters: Uncertain significance (4). Last evaluated 2023-06-13.

Conditions:
Cardiomyopathy (CMYO). Also called: Cardiomyopathies. Identifiers: Orphanet 167848, MedGen C0878544, MONDO:0004994, HP:0001638. Inheritance: Various modes of inheritance.
Hypertrophic cardiomyopathy. Also called: HYPERTROPHIC MYOCARDIOPATHY. Identifiers: Orphanet 217569, MedGen C0007194, MeSH D002312, MONDO:0005045, HP:0001639.

Allele frequency attached by ClinVar (database versions not stated): gnomAD exomes below 0.00001.

Submissions (4):

CHEO Genetics Diagnostic Laboratory, Children's Hospital of Eastern Ontario
Classification: Uncertain significance for Cardiomyopathy. Last evaluated: 2023-06-13. Review status: criteria provided, single submitter. Criteria: ACMG Guidelines, 2015. Collection method: clinical testing. Allele origin: germline.

All of Us Research Program, National Institutes of Health
Classification: Uncertain significance for Hypertrophic cardiomyopathy. Last evaluated: 2023-04-10. Review status: criteria provided, single submitter. Criteria: ACMG Guidelines, 2015. Collection method: clinical testing. Allele origin: germline. Inheritance: Autosomal dominant inheritance. Observed: 1 variant allele, 1 heterozygote.
Comment: This missense variant replaces alanine with proline at codon 174 of the MYL3 protein. Computational prediction is inconclusive regarding the impact of this variant on protein structure and function (internally defined REVEL score threshold 0.5 < inconclusive < 0.7, PMID: 27666373). To our knowledge, functional studies have not been reported for this variant. This variant has been reported in an individual affected with hypertrophic cardiomyopathy (PMID: 25611685, 27532257). This variant has been identified in 1/251086 chromosomes in the general population by the Genome Aggregation Database (gnomAD). The available evidence is insufficient to determine the role of this variant in disease conclusively. Therefore, this variant is classified as a Variant of Uncertain Significance.

This study involves interpretation of variants in research participants for the purpose of population health screening. Participant phenotype was not available at the time of variant classification. Additional details can be found in publication PMID: 35346344, PMCID: PMC8962531

Color Diagnostics, LLC DBA Color Health
Classification: Uncertain significance for Cardiomyopathy. Last evaluated: 2023-02-28. Review status: criteria provided, single submitter. Criteria: ACMG Guidelines, 2015. Collection method: clinical testing. Allele origin: germline.
Comment: This missense variant replaces alanine with proline at codon 174 of the MYL3 protein. Computational prediction is inconclusive regarding the impact of this variant on protein structure and function (internally defined REVEL score threshold 0.5 < inconclusive < 0.7, PMID: 27666373). To our knowledge, functional studies have not been reported for this variant. This variant has been reported in an individual affected with hypertrophic cardiomyopathy (PMID: 25611685, 27532257). This variant has been identified in 1/251086 chromosomes in the general population by the Genome Aggregation Database (gnomAD). The available evidence is insufficient to determine the role of this variant in disease conclusively. Therefore, this variant is classified as a Variant of Uncertain Significance.

Laboratory for Molecular Medicine, Mass General Brigham Personalized Medicine
Classification: Uncertain significance. Last evaluated: 2017-10-10. Review status: criteria provided, single submitter. Criteria: LMM Criteria. Collection method: clinical testing. Allele origin: germline. Observed: 1 variant allele.
Comment: The p.Ala174Pro variant in MYL3 has not been previously reported in individuals with cardiomyopathy, but has been identified in 1/111520 of European chromosomes by the Genome Aggregation Database (gnomAD; d bSNP rs397516279). Computational prediction tools and conservation analysis do n ot provide strong support for or against an impact to the protein. In summary, t he clinical significance of the p.Ala174Pro variant is uncertain. ACMG/AMP Crite ria applied: PM1 (Richards 2015).

Literature cited by the submitters: PubMed 25611685 (cited by All of Us Research Program, National Institutes of Health and Color Diagnostics, LLC DBA Color Health); PubMed 27532257 (cited by All of Us Research Program, National Institutes of Health and Color Diagnostics, LLC DBA Color Health).